The following is an entry in ClinVar:

NC_000001.10:g.(?_216166342)_(216538447_?)del

Gene: USH2A (usherin; minus strand). Cytogenetic location: 1q41.
Variant type: Deletion.
Identifiers: ClinVar variation 1379960 (VCV001379960.5).

ClinVar aggregate classification (germline): Pathogenic (1 of 4 stars; one submission).

Submission:

Labcorp Genetics (formerly Invitae), Labcorp
Classification: Pathogenic. Last evaluated: 2022-06-27. Review status: criteria provided, single submitter. Criteria: Invitae Variant Classification Sherloc (09022015). Collection method: clinical testing. Allele origin: germline.
Comment: For these reasons, this variant has been classified as Pathogenic. This variant has not been reported in the literature in individuals affected with USH2A-related conditions. This variant is a gross deletion of the genomic region encompassing exon(s) 4-35 of the USH2A gene. This deletion is out-of-frame, and is expected to create a premature termination codon and result in an absent or disrupted protein product. Loss-of-function variants in USH2A are known to be pathogenic (PMID: 10729113, 10909849, 20507924, 25649381).

Literature cited by the submitters: PubMed 10729113; PubMed 10909849; PubMed 20507924; PubMed 25649381.